The following is an entry in ClinVar:

ClinVar aggregate classification (germline): Uncertain significance (1 of 4 stars; one submission).

Conditions:
Propionic acidemia (PROP). Also called: GLYCINEMIA, KETOTIC; HYPERGLYCINEMIA WITH KETOACIDOSIS AND LEUKOPENIA; KETOTIC HYPERGLYCINEMIA. Identifiers: Orphanet 35, MedGen C0268579, MONDO:0011628, OMIM 606054, HP:0003571.

Submission:

Neuberg Centre For Genomic Medicine, NCGM
Classification: Uncertain significance for Propionic acidemia. Review status: criteria provided, single submitter. Criteria: ACMG Guidelines, 2015. Collection method: clinical testing. Allele origin: germline. Inheritance: Autosomal recessive inheritance. Affected: yes.
Comment: The splice site c.601-3C>G variant has not been reported previously as a pathogenic variant nor as a benign variant, to our knowledge. The variant is novel (not in any individuals) in gnomAD Exomes and 1000 Genomes. This splice region variant in intron 5 affects the position three nucleotides upstream of exon 8. Loss of function variants has been previously reported to be disease-causing (Stanescu et al., 2020). For these reasons, this variant has been classified as Uncertain Significance. The same variant has been detected in AF in the heterozygous state.

NM_000282.4(PCCA):c.601-3C>G

Gene: PCCA (propionyl-CoA carboxylase subunit alpha; plus strand). Cytogenetic location: 13q32.3.
Variant type: single nucleotide variant.
Coding change: c.601-3C>G on transcript NM_000282.4 (MANE Select); 3 bases into the intron before coding-DNA position 601, C replaced by G.
Molecular consequence: intron variant.
Genome position (GRCh38, 1-based): chr13:100,235,839, C>G. VCF-style: chr13-100235839-C-G. GRCh37 (hg19) VCF-style: chr13-100888093-C-G.
Other names: c.601-3C>G (NM_001178004.2, NM_001352605.2, NM_001352606.2 and 1 more transcripts); c.-266-3C>G (NM_001352610.2, NM_001352611.2, NM_001352612.2); c.523-3C>G (NM_001127692.3, NM_001352607.2, NM_001352608.2).
Identifiers: ClinVar variation 3764493 (VCV003764493.1).
Genomic context (GRCh38, chr13:100,235,839, plus strand): 5'-CCCTAAAGACATTGTGCAATGCCTCATGGGATTAATGTTGAGTCTCATTTCCTGCTTTTA[C>G]AGGATGCAGAAGAAGCTGTCAGAATTGCAAGGGAAATTGGTAAGTCCTTAAATTAACTTT-3'